The following is an entry in ClinVar:

NM_001161403.3(LIMS2):c.802G>T (p.Val268Leu)

Gene: LIMS2 (LIM zinc finger domain containing 2; minus strand). Cytogenetic location: 2q14.3.
Variant type: single nucleotide variant.
Coding change: c.802G>T on transcript NM_001161403.3 (MANE Select); coding-DNA position 802, G replaced by T.
Protein change: p.Val268Leu; replaces valine 268 with leucine.
Molecular consequence: missense variant.
Genome position (GRCh38, 1-based): chr2:127,640,270, C>A on the plus strand (G>T on the coding strand, the complement: LIMS2 is on the minus strand). VCF-style: chr2-127640270-C-A. GRCh37 (hg19) VCF-style: chr2-128397845-C-A.
Other names: c.868G>T, p.Val290Leu (NM_001136037.4); c.787G>T, p.Val263Leu (NM_001161404.2); c.346G>T, p.Val116Leu (NM_001256542.2); c.874G>T, p.Val292Leu (NM_017980.5); short protein forms V116L, V263L, V268L, V290L, V292L.
Identifiers: ClinVar variation 1013948 (VCV001013948.10), dbSNP rs1682276394, ClinGen allele CA348424257.

ClinVar aggregate classification (germline): Uncertain significance (1 of 4 stars; one submission).

Conditions:
Autosomal recessive limb-girdle muscular dystrophy type 2W (MDRCMTT). Also called: Muscular dystrophy, limb-girdle, type 2W; Muscular dystrophy, autosomal recessive, with cardiomyopathy and triangular tongue. Identifiers: MedGen C4225192, MONDO:0014788, OMIM 616827.

Submissions (2):

Labcorp Genetics (formerly Invitae), Labcorp
Classification: Uncertain significance for Autosomal recessive limb-girdle muscular dystrophy type 2W. Last evaluated: 2020-10-26. Review status: criteria provided, single submitter. Criteria: Invitae Variant Classification Sherloc (09022015). Collection method: clinical testing. Allele origin: germline.
Comment: In summary, the available evidence is currently insufficient to determine the role of this variant in disease. Therefore, it has been classified as a Variant of Uncertain Significance. Nucleotide substitutions within the consensus splice site are a relatively common cause of aberrant splicing (PMID: 17576681, 9536098). Algorithms developed to predict the effect of sequence changes on RNA splicing suggest that this variant may disrupt the consensus splice site, but this prediction has not been confirmed by published transcriptional studies. Algorithms developed to predict the effect of missense changes on protein structure and function are either unavailable or do not agree on the potential impact of this missense change (SIFT: "Tolerated"; PolyPhen-2: "Possibly Damaging"; Align-GVGD: "Class C0"). This variant has not been reported in the literature in individuals with LIMS2-related conditions. This variant is not present in population databases (ExAC no frequency). This sequence change replaces valine with leucine at codon 290 of the LIMS2 protein (p.Val290Leu). The valine residue is highly conserved and there is a small physicochemical difference between valine and leucine. This variant also falls at the last nucleotide of exon 9, which is part of the consensus splice site for this exon.

Dr. Peter K. Rogan Lab, Western University
No classification provided (evidence only). Condition: Melanoma. Review status: no classification provided. Collection method: in vitro. Allele origin: not applicable. Functional consequence: retained intron. Not counted in ClinVar's aggregate classification.

Literature cited by the submitters: PubMed 17576681 (cited by Labcorp Genetics (formerly Invitae), Labcorp); PubMed 9536098 (cited by Labcorp Genetics (formerly Invitae), Labcorp).